The following is an entry in ClinVar:

NM_020396.4(BCL2L10):c.62T>G (p.Leu21Arg)

Genes: BCL2L10 (BCL2 like 10; minus strand), LOC130057081 (ATAC-STARR-seq lymphoblastoid silent region 6444; plus strand). Cytogenetic location: 15q21.2.
Variant type: single nucleotide variant.
Coding change: c.62T>G on transcript NM_020396.4 (MANE Select); coding-DNA position 62, T replaced by G.
Protein change: p.Leu21Arg; replaces leucine 21 with arginine.
Molecular consequence: missense variant.
Genome position (GRCh38, 1-based): chr15:52,112,665, A>C on the plus strand (T>G on the coding strand, the complement: BCL2L10 is on the minus strand). VCF-style: chr15-52112665-A-C. GRCh37 (hg19) VCF-style: chr15-52404862-A-C.
Other names: c.62T>G, p.Leu21Arg (NM_001306168.1); short protein forms L21R.
Identifiers: ClinVar variation 1270639 (VCV001270639.2), dbSNP rs2231292, ClinGen allele CA7565463.

ClinVar aggregate classification (germline): Benign. Review status: criteria provided, multiple submitters, no conflicts (2 of 4 stars). 2 submissions from 2 submitters: Benign (2). Last evaluated 2020-10-28.

Allele frequency attached by ClinVar (database versions not stated): ESP Exome Variant Server 0.38155; gnomAD exomes 0.40761; ExAC 0.46267; gnomAD 0.47759 and 0.48311; TOPMed 0.50164; 1000 Genomes Project 0.53654; 1000 Genomes Project 30x 0.54560.
gnomAD v4.1: 566,166 of 1,549,042 alleles (37%); highest among the groups gnomAD compares: African/African-American, 81%; 112,959 homozygotes.

Submissions (2):

GeneDx
Classification: Benign. Last evaluated: 2020-10-28. Review status: criteria provided, single submitter. Criteria: GeneDx Variant Classification Process June 2021. Collection method: clinical testing. Allele origin: germline. Affected: yes.
Comment: This variant is associated with the following publications: (PMID: 24047476)

Breakthrough Genomics
Classification: Benign. Review status: criteria provided, single submitter. Criteria: ACMG Guidelines, 2015. Collection method: not provided. Allele origin: germline. Inheritance: Unknown mechanism. Affected: yes.